The following is an entry in ClinVar:

NM_000368.5(TSC1):c.2040A>C (p.Gly680=)

Gene: TSC1 (TSC complex subunit 1; minus strand). Cytogenetic location: 9q34.13.
Variant type: single nucleotide variant.
Coding change: c.2040A>C on transcript NM_000368.5 (MANE Select); coding-DNA position 2040, A replaced by C.
Protein change: p.Gly680=; no amino-acid change (glycine 680 retained).
Molecular consequence: synonymous variant.
Genome position (GRCh38, 1-based): chr9:132,904,412, T>G on the plus strand (A>C on the coding strand, the complement: TSC1 is on the minus strand). VCF-style: chr9-132904412-T-G. GRCh37 (hg19) VCF-style: chr9-135779799-T-G.
Other names: c.2037A>C, p.Gly679= (NM_001162426.2); c.1887A>C, p.Gly629= (NM_001162427.2); c.1677A>C, p.Gly559= (NM_001362177.2); c.2040A>C (NM_000368.4).
Identifiers: ClinVar variation 1062707 (VCV001062707.11), dbSNP rs2131786060, ClinGen allele CA467590782.

ClinVar aggregate classification (germline): Conflicting classifications of pathogenicity. Review status: criteria provided, conflicting classifications (1 of 4 stars). 3 submissions from 3 submitters: Uncertain significance (2); Likely benign (1). Last evaluated 2025-02-16.

Conditions:
Hereditary cancer-predisposing syndrome. Also called: Tumor predisposition; Neoplastic Syndromes, Hereditary; Hereditary Cancer Syndrome; Hereditary neoplastic syndrome. Identifiers: Orphanet 140162, MedGen C0027672, MeSH D009386, MONDO:0015356.
Tuberous sclerosis 1 (TSC1). Identifiers: Orphanet 805, MedGen C1854465, MONDO:0008612, OMIM 191100.

Submissions (3):

Laboratory of Genetics, Children's Clinical University Hospital Latvia
Classification: Uncertain significance. Last evaluated: 2025-02-16. Review status: criteria provided, single submitter. Criteria: ACMG Guidelines, 2015. Collection method: clinical testing. Allele origin: germline. Affected: yes.

Ambry Genetics
Classification: Likely benign for Hereditary cancer-predisposing syndrome. Last evaluated: 2025-02-10. Review status: criteria provided, single submitter. Criteria: Ambry Variant Classification Scheme 2023. Collection method: clinical testing. Allele origin: germline.

Labcorp Genetics (formerly Invitae), Labcorp
Classification: Uncertain significance for Tuberous sclerosis 1. Last evaluated: 2024-05-08. Review status: criteria provided, single submitter. Criteria: Invitae Variant Classification Sherloc (09022015). Collection method: clinical testing. Allele origin: germline.
Comment: This sequence change affects codon 680 of the TSC1 mRNA. It is a 'silent' change, meaning that it does not change the encoded amino acid sequence of the TSC1 protein. It affects a nucleotide within the consensus splice site. This variant is not present in population databases (gnomAD no frequency). This variant has not been reported in the literature in individuals affected with TSC1-related conditions. ClinVar contains an entry for this variant (Variation ID: 1062707). RNA analysis performed to evaluate the impact of this variant on mRNA splicing indicates it does not significantly alter splicing (Invitae). In summary, the available evidence is currently insufficient to determine the role of this variant in disease. Therefore, it has been classified as a Variant of Uncertain Significance.